The following is an entry in ClinVar:

NM_001128148.3(TFRC):c.64C>T (p.Arg22Trp)

Gene: TFRC (transferrin receptor; minus strand). Cytogenetic location: 3q29.
Variant type: single nucleotide variant.
Coding change: c.64C>T on transcript NM_001128148.3 (MANE Select); coding-DNA position 64, C replaced by T.
Protein change: p.Arg22Trp; replaces arginine 22 with tryptophan.
Molecular consequence: missense variant. On other transcripts: intron variant (2).
Genome position (GRCh38, 1-based): chr3:196,075,333, G>A on the plus strand (C>T on the coding strand, the complement: TFRC is on the minus strand). VCF-style: chr3-196075333-G-A. GRCh37 (hg19) VCF-style: chr3-195802204-G-A.
Other names: c.64C>T, p.Arg22Trp (NM_003234.4); c.-413+1731C>T (NM_001313966.2); c.-5-1208C>T (NM_001313965.2); short protein forms R22W.
Identifiers: ClinVar variation 2999809 (VCV002999809.3), dbSNP rs373123870, ClinGen allele CA2778408.

ClinVar aggregate classification (germline): Uncertain significance (1 of 4 stars; one submission).

Allele frequency attached by ClinVar (database versions not stated): ExAC 0.00001; TOPMed 0.00001; ESP Exome Variant Server 0.00008.
gnomAD v4.1: 7 of 1,614,064 alleles (0.00043%); highest among the groups gnomAD compares: Non-Finnish European, 0.00059%; no homozygotes.

Submission:

Labcorp Genetics (formerly Invitae), Labcorp
Classification: Uncertain significance. Last evaluated: 2023-07-03. Review status: criteria provided, single submitter. Criteria: Invitae Variant Classification Sherloc (09022015). Collection method: clinical testing. Allele origin: germline.
Comment: In summary, the available evidence is currently insufficient to determine the role of this variant in disease. Therefore, it has been classified as a Variant of Uncertain Significance. An algorithm developed to predict the effect of missense changes on protein structure and function (PolyPhen-2) suggests that this variant is likely to be disruptive. This variant has not been reported in the literature in individuals affected with TFRC-related conditions. This variant is present in population databases (rs373123870, gnomAD 0.002%). This sequence change replaces arginine, which is basic and polar, with tryptophan, which is neutral and slightly polar, at codon 22 of the TFRC protein (p.Arg22Trp).